The following is an entry in ClinVar:

ClinVar aggregate classification (germline): Uncertain significance (1 of 4 stars; one submission).

gnomAD v4.1: 1 of 1,608,814 alleles (0.000062%); highest among the groups gnomAD compares: South Asian, 0.0011%; no homozygotes.

Submission:

CeGaT Center for Human Genetics Tuebingen
Classification: Uncertain significance. Last evaluated: 2022-12-01. Review status: criteria provided, single submitter. Criteria: CeGaT Center For Human Genetics Tuebingen Variant Classification Criteria Version 2. Collection method: clinical testing. Allele origin: germline. Affected: yes. Observed: 1 variant allele.
Comment: ENSG00000288645: PM2:Supporting, BP7

NM_001414947.1(LOC128092252):c.147G>A (p.Val49=)

Genes: TRPM7 (transient receptor potential cation channel subfamily M member 7; minus strand), LOC128092252 (uncharacterized LOC128092252; minus strand). Cytogenetic location: 15q21.2.
Variant type: single nucleotide variant.
Coding change: c.147G>A on transcript NM_001414947.1 (MANE Select); coding-DNA position 147, G replaced by A.
Protein change: p.Val49=; no amino-acid change (valine 49 retained).
Molecular consequence: synonymous variant. On other transcripts: 5 prime UTR variant (2), non-coding transcript variant (3).
Genome position (GRCh38, 1-based): chr15:50,686,571, C>T on the plus strand (G>A on the coding strand, the complement: LOC128092252 is on the minus strand). VCF-style: chr15-50686571-C-T. GRCh37 (hg19) VCF-style: chr15-50978768-C-T.
Other names: c.-38G>A (NM_001301212.2, NM_017672.6).
Identifiers: ClinVar variation 2645333 (VCV002645333.23), dbSNP rs2542747818, ClinGen allele CA2628435311.